The following is an entry in ClinVar:

NM_000133.4(F9):c.898A>G (p.Ile300Val)

Gene: F9 (coagulation factor IX; plus strand). Cytogenetic location: Xq27.1.
Variant type: single nucleotide variant.
Coding change: c.898A>G on transcript NM_000133.4 (MANE Select); coding-DNA position 898, A replaced by G.
Protein change: p.Ile300Val; replaces isoleucine 300 with valine.
Molecular consequence: missense variant.
Genome position (GRCh38, 1-based): chrX:139,561,583, A>G. VCF-style: chrX-139561583-A-G. GRCh37 (hg19) VCF-style: chrX-138643742-A-G.
Other names: p.Ile300Val; c.784A>G, p.Ile262Val (NM_001313913.2); short protein forms I300V, I262V.
Identifiers: ClinVar variation 4542499 (VCV004542499.1).
Genomic context (GRCh38, chrX:139,561,583, plus strand): 5'-GGTGAACATAATATTGAGGAGACAGAACATACAGAGCAAAAGCGAAATGTGATTCGAATT[A>G]TTCCTCACCACAACTACAATGCAGCTATTAATAAGTACAACCATGACATTGCCCTTCTGG-3'
Protein context (NP_000124.1, residues 290-310): TEQKRNVIRI[Ile300Val]PHHNYNAAIN

ClinVar aggregate classification (germline): Uncertain significance (1 of 4 stars; one submission).

gnomAD v4.1: 3 of 1,206,645 alleles (0.00025%); highest among the groups gnomAD compares: African/African-American, 0.0052%; no homozygotes.

Submission:

Mayo Clinic Laboratories, Mayo Clinic
Classification: Uncertain significance. Last evaluated: 2025-06-06. Review status: criteria provided, single submitter. Criteria: ACMG Guidelines, 2015. Collection method: clinical testing. Allele origin: germline. Observed: 1 variant allele.
Comment: BS2